The following is an entry in ClinVar:

ClinVar aggregate classification (germline): Conflicting classifications of pathogenicity. Review status: criteria provided, conflicting classifications (1 of 4 stars). 2 submissions from 2 submitters: Uncertain significance (1); Likely benign (1). Last evaluated 2016-03-03.

Conditions:
Hereditary cancer-predisposing syndrome. Also called: Neoplastic Syndromes, Hereditary; Tumor predisposition; Hereditary Cancer Syndrome; Hereditary neoplastic syndrome. Identifiers: Orphanet 140162, MedGen C0027672, MeSH D009386, MONDO:0015356.

Submissions (2):

Color Diagnostics, LLC DBA Color Health
Classification: Likely benign for Hereditary cancer-predisposing syndrome. Last evaluated: 2016-03-03. Review status: criteria provided, single submitter. Criteria: ACMG Guidelines, 2015. Collection method: clinical testing. Allele origin: germline.

Ambry Genetics
Classification: Uncertain significance for Hereditary cancer-predisposing syndrome. Last evaluated: 2015-05-08. Review status: criteria provided, single submitter. Criteria: Ambry Variant Classification Scheme 2023. Collection method: clinical testing. Allele origin: germline.
Comment: The p.I813V variant (also known as c.2437A>G), located in coding exon 5 of the PALB2 gene, results from an A to G substitution at nucleotide position 2437. The isoleucine at codon 813 is replaced by valine, an amino acid with highly similar properties. This variant was not reported in population based cohorts in the following databases: Database of Single Nucleotide Polymorphisms (dbSNP), NHLBI Exome Sequencing Project (ESP), and 1000 Genomes Project. In the ESP, this variant was not observed in 6497 samples (12994 alleles) with coverage at this position. To date, this alteration has been detected with an allele frequency of approximately 0.001% (greater than 70000 alleles tested) in our clinical cohort. This amino acid position is poorly conserved in available vertebrate species. In addition, this alteration is predicted to be tolerated by in silico analysis. Since supporting evidence for this variant is limited at this time, the clinical significance of p.I813V remains unclear.

NM_024675.4(PALB2):c.2437A>G (p.Ile813Val)

Gene: PALB2 (partner and localizer of BRCA2; minus strand). Cytogenetic location: 16p12.2.
Variant type: single nucleotide variant.
Coding change: c.2437A>G on transcript NM_024675.4 (MANE Select); coding-DNA position 2437, A replaced by G.
Protein change: p.Ile813Val; replaces isoleucine 813 with valine.
Molecular consequence: missense variant.
Genome position (GRCh38, 1-based): chr16:23,629,717, T>C on the plus strand (A>G on the coding strand, the complement: PALB2 is on the minus strand). VCF-style: chr16-23629717-T-C. GRCh37 (hg19) VCF-style: chr16-23641038-T-C.
Other names: short protein forms I813V.
Identifiers: ClinVar variation 231753 (VCV000231753.7), dbSNP rs766396469, ClinGen allele CA10579971.